The following is an entry in ClinVar:

NM_144596.4(TTC8):c.1465C>T (p.Gln489Ter)

Gene: TTC8 (tetratricopeptide repeat domain 8; plus strand). Cytogenetic location: 14q31.3.
Variant type: single nucleotide variant.
Coding change: c.1465C>T on transcript NM_144596.4 (MANE Select); coding-DNA position 1465, C replaced by T.
Protein change: p.Gln489Ter; replaces glutamine 489 with a stop codon.
Molecular consequence: nonsense. On other transcripts: non-coding transcript variant (1).
Genome position (GRCh38, 1-based): chr14:88,877,327, C>T. VCF-style: chr14-88877327-C-T. GRCh37 (hg19) VCF-style: chr14-89343671-C-T.
Other names: c.1465C>T (NM_144596.3); c.1513C>T, p.Gln505Ter (NM_001288781.1); c.871C>T, p.Gln291Ter (NM_001288782.1); c.748C>T, p.Gln250Ter (NM_001288783.1); c.1351C>T, p.Gln451Ter (NM_001366535.2); c.1261C>T, p.Gln421Ter (NM_001366536.2); c.1435C>T, p.Gln479Ter (NM_198309.3); c.1345C>T, p.Gln449Ter (NM_198310.3); short protein forms Q291*, Q421*, Q489*, Q479*, Q505*, Q250*, Q449*, Q451*.
Identifiers: ClinVar variation 1989273 (VCV001989273.3), dbSNP rs868647660, ClinGen allele CA264575918.

ClinVar aggregate classification (germline): Uncertain significance. Review status: criteria provided, multiple submitters, no conflicts (2 of 4 stars). 3 submissions from 3 submitters: Uncertain significance (2). 1 of the submissions does not count toward it. Last evaluated 2022-03-04.

Conditions:
Inborn genetic diseases. Identifiers: MedGen C0950123, MeSH D030342.
Bardet-Biedl syndrome (BBS). Identifiers: Orphanet 110, MedGen C0752166, MONDO:0015229.
TTC8-related disorder. Also called: TTC8-related condition.

Allele frequency attached by ClinVar (database versions not stated): gnomAD exomes 0.00001.
gnomAD v4.1: 16 of 1,613,682 alleles (0.00099%); highest among the groups gnomAD compares: Admixed American, 0.0033%; no homozygotes.

Submissions (3):

Labcorp Genetics (formerly Invitae), Labcorp
Classification: Uncertain significance for Bardet-Biedl syndrome. Last evaluated: 2022-03-04. Review status: criteria provided, single submitter. Criteria: Invitae Variant Classification Sherloc (09022015). Collection method: clinical testing. Allele origin: germline.
Comment: This sequence change creates a premature translational stop signal (p.Gln479*) in the TTC8 gene. While this is not anticipated to result in nonsense mediated decay, it is expected to disrupt the last 27 amino acid(s) of the TTC8 protein. This variant is present in population databases (no rsID available, gnomAD 0.006%). This variant has not been reported in the literature in individuals affected with TTC8-related conditions. Experimental studies and prediction algorithms are not available or were not evaluated, and the functional significance of this variant is currently unknown. In summary, the available evidence is currently insufficient to determine the role of this variant in disease. Therefore, it has been classified as a Variant of Uncertain Significance.

Ambry Genetics
Classification: Uncertain significance for Inborn genetic diseases. Last evaluated: 2021-07-13. Review status: criteria provided, single submitter. Criteria: Ambry Variant Classification Scheme 2023. Collection method: clinical testing. Allele origin: germline.
Comment: Not expected to trigger nonsense-mediated mRNA decay Based on insufficient or conflicting evidence, the clinical significance of this alteration remains unclear.

PreventionGenetics, part of Exact Sciences
Classification: Uncertain significance for TTC8-related condition. Last evaluated: 2024-05-02. Review status: no assertion criteria provided. Collection method: clinical testing. Allele origin: germline. Not counted in ClinVar's aggregate classification.
Comment: The TTC8 c.1465C>T variant is predicted to result in premature protein termination (p.Gln489*). To our knowledge, this variant has not been reported in the literature. This variant is reported in 0.0058% of alleles in individuals of Latino descent in gnomAD. This variant occurs within the final exon of the TTC8 gene. Other nonsense variants upstream of this variant in the TTC8 gene have been classified as likely pathogenic or pathogenic. Although we suspect that this variant may be pathogenic, at this time, the clinical significance of this variant is uncertain due to the absence of conclusive functional and genetic evidence.